The following is an entry in ClinVar:

NM_002075.4(GNB3):c.409C>T (p.Arg137Trp)

Gene: GNB3 (G protein subunit beta 3; plus strand). Cytogenetic location: 12p13.31.
Variant type: single nucleotide variant.
Coding change: c.409C>T on transcript NM_002075.4 (MANE Select); coding-DNA position 409, C replaced by T.
Protein change: p.Arg137Trp; replaces arginine 137 with tryptophan.
Molecular consequence: missense variant.
Genome position (GRCh38, 1-based): chr12:6,843,504, C>T. VCF-style: chr12-6843504-C-T. GRCh37 (hg19) VCF-style: chr12-6952668-C-T.
Other names: c.409C>T, p.Arg137Trp (NM_001297571.2); short protein forms R137W.
Identifiers: ClinVar variation 1348153 (VCV001348153.8), dbSNP rs373443639, ClinGen allele CA6417526.

ClinVar aggregate classification (germline): Uncertain significance (1 of 4 stars; one submission).

Allele frequency attached by ClinVar (database versions not stated): ExAC 0.00002; gnomAD 0.00002; gnomAD exomes 0.00002 and 0.00005; TOPMed 0.00002; ESP Exome Variant Server 0.00008.
gnomAD v4.1: 73 of 1,614,040 alleles (0.0045%); highest among the groups gnomAD compares: Non-Finnish European, 0.0058%; no homozygotes.

Submission:

Labcorp Genetics (formerly Invitae), Labcorp
Classification: Uncertain significance. Last evaluated: 2022-08-19. Review status: criteria provided, single submitter. Criteria: Invitae Variant Classification Sherloc (09022015). Collection method: clinical testing. Allele origin: germline.
Comment: This sequence change replaces arginine, which is basic and polar, with tryptophan, which is neutral and slightly polar, at codon 137 of the GNB3 protein (p.Arg137Trp). This variant is present in population databases (rs373443639, gnomAD 0.004%). This variant has not been reported in the literature in individuals affected with GNB3-related conditions. ClinVar contains an entry for this variant (Variation ID: 1348153). Algorithms developed to predict the effect of missense changes on protein structure and function are either unavailable or do not agree on the potential impact of this missense change (SIFT: "Deleterious"; PolyPhen-2: "Probably Damaging"; Align-GVGD: "Class C0"). In summary, the available evidence is currently insufficient to determine the role of this variant in disease. Therefore, it has been classified as a Variant of Uncertain Significance.